The following is an entry in ClinVar:

NM_001378183.1(PIEZO2):c.330-2dup

Gene: PIEZO2 (piezo type mechanosensitive ion channel component 2; minus strand). Cytogenetic location: 18p11.22.
Variant type: Duplication.
Coding change: c.330-2dup on transcript NM_001378183.1 (MANE Select); the canonical splice acceptor site of the intron before coding-DNA position 330, one base duplicated (A; older notation c.330-2dupA).
Molecular consequence: splice acceptor variant.
Genome position (GRCh38, 1-based): chr18:10,871,417, T duplicated on the plus strand (A on the coding strand, the reverse complement: PIEZO2 is on the minus strand). VCF-style (leftmost placement, unchanged base first): chr18-10871416-C-CT. GRCh37 (hg19) VCF-style: chr18-10871414-C-CT.
Other names: c.330-2dup (NM_022068.4, NM_001410871.1).
Identifiers: ClinVar variation 931249 (VCV000931249.8), dbSNP rs1342634570, ClinGen allele CA628489129.

ClinVar aggregate classification (germline): Uncertain significance. Review status: criteria provided, multiple submitters, no conflicts (2 of 4 stars). 4 submissions from 4 submitters: Uncertain significance (4). Last evaluated 2025-12-29.

Conditions:
Arthrogryposis, distal, with impaired proprioception and touch (DAIPT). Identifiers: MedGen C4310692, MONDO:0014941, OMIM 617146.

Allele frequency attached by ClinVar (database versions not stated): gnomAD exomes 0.00001 and 0.00002; gnomAD 0.00001; TOPMed below 0.00001.

Submissions (4):

GeneDx
Classification: Uncertain significance. Last evaluated: 2025-12-29. Review status: criteria provided, single submitter. Criteria: GeneDx Variant Classification Process June 2021. Collection method: clinical testing. Allele origin: germline.
Comment: Canonical splice site variant predicted to result in a null allele in a gene for which loss of function is a known mechanism of disease; Has not been previously published as pathogenic or benign to our knowledge

Blueprint Genetics
Classification: Uncertain significance. Last evaluated: 2024-10-14. Review status: criteria provided, single submitter. Criteria: ACMG Guidelines, 2015. Collection method: clinical testing. Allele origin: germline.

Labcorp Genetics (formerly Invitae), Labcorp
Classification: Uncertain significance. Last evaluated: 2023-08-27. Review status: criteria provided, single submitter. Criteria: Invitae Variant Classification Sherloc (09022015). Collection method: clinical testing. Allele origin: germline.
Comment: This sequence change falls in intron 4 of the PIEZO2 gene. It does not directly change the encoded amino acid sequence of the PIEZO2 protein. It affects a nucleotide within the consensus splice site. This variant is present in population databases (no rsID available, gnomAD 0.004%). This variant has not been reported in the literature in individuals affected with PIEZO2-related conditions. ClinVar contains an entry for this variant (Variation ID: 931249). Variants that disrupt the consensus splice site are a relatively common cause of aberrant splicing (PMID: 17576681, 9536098). In summary, the available evidence is currently insufficient to determine the role of this variant in disease. Therefore, it has been classified as a Variant of Uncertain Significance.

Centre for Mendelian Genomics, University Medical Centre Ljubljana
Classification: Uncertain significance for Arthrogryposis, distal, with impaired proprioception and touch. Last evaluated: 2020-01-29. Review status: criteria provided, single submitter. Criteria: ACMG Guidelines, 2015. Collection method: clinical testing. Allele origin: unknown. Affected: yes.
Comment: This variant was classified as: Uncertain significance. The available evidence on this variant's pathogenicity is insufficient or conflicting. The following ACMG criteria were applied in classifying this variant: PP3.

Literature cited by the submitters: PubMed 17576681 (cited by Labcorp Genetics (formerly Invitae), Labcorp); PubMed 9536098 (cited by Labcorp Genetics (formerly Invitae), Labcorp).